The following is an entry in ClinVar:

NM_033026.6(PCLO):c.12201C>G (p.Ser4067Arg)

Gene: PCLO (piccolo presynaptic cytomatrix protein; minus strand). Cytogenetic location: 7q21.11.
Variant type: single nucleotide variant.
Coding change: c.12201C>G on transcript NM_033026.6 (MANE Select); coding-DNA position 12201, C replaced by G.
Protein change: p.Ser4067Arg; replaces serine 4067 with arginine.
Molecular consequence: missense variant.
Genome position (GRCh38, 1-based): chr7:82,915,785, G>C on the plus strand (C>G on the coding strand, the complement: PCLO is on the minus strand). VCF-style: chr7-82915785-G-C. GRCh37 (hg19) VCF-style: chr7-82545101-G-C.
Other names: c.12201C>G, p.Ser4067Arg (NM_014510.3); short protein forms S4067R.
Identifiers: ClinVar variation 1962497 (VCV001962497.2), dbSNP rs1257610072, ClinGen allele CA367889593.

ClinVar aggregate classification (germline): Uncertain significance (1 of 4 stars; one submission).

Submission:

Labcorp Genetics (formerly Invitae), Labcorp
Classification: Uncertain significance. Last evaluated: 2022-02-22. Review status: criteria provided, single submitter. Criteria: Invitae Variant Classification Sherloc (09022015). Collection method: clinical testing. Allele origin: germline.
Comment: This sequence change replaces serine, which is neutral and polar, with arginine, which is basic and polar, at codon 4067 of the PCLO protein (p.Ser4067Arg). This variant is not present in population databases (gnomAD no frequency). This variant has not been reported in the literature in individuals affected with PCLO-related conditions. Algorithms developed to predict the effect of missense changes on protein structure and function are either unavailable or do not agree on the potential impact of this missense change (SIFT: "Deleterious"; PolyPhen-2: "Not Available"; Align-GVGD: "Class C0"). In summary, the available evidence is currently insufficient to determine the role of this variant in disease. Therefore, it has been classified as a Variant of Uncertain Significance.